The following is an entry in ClinVar:

ClinVar aggregate classification (germline): Pathogenic (1 of 4 stars; one submission).

Allele frequency attached by ClinVar (database versions not stated): gnomAD exomes below 0.00001.

Submission:

CeGaT Center for Human Genetics Tuebingen
Classification: Pathogenic. Last evaluated: 2023-08-01. Review status: criteria provided, single submitter. Criteria: CeGaT Center For Human Genetics Tuebingen Variant Classification Criteria Version 2. Collection method: clinical testing. Allele origin: germline. Affected: yes. Observed: 2 variant alleles.
Comment: PNPLA2: PVS1, PM2

NM_020376.4(PNPLA2):c.799del (p.Ala267fs)

Gene: PNPLA2 (patatin like domain 2, triacylglycerol lipase; plus strand). Cytogenetic location: 11p15.5.
Variant type: Deletion.
Coding change: c.799del on transcript NM_020376.4 (MANE Select); coding-DNA position 799, one base deleted (G; older notation c.799delG).
Protein change: p.Ala267fs; shifts the reading frame from alanine 267.
Molecular consequence: frameshift variant.
Genome position (GRCh38, 1-based): chr11:823,735, G deleted. VCF-style (leftmost placement, unchanged base first): chr11-823734-CG-C. GRCh37 (hg19) VCF-style: chr11-823734-CG-C.
Other names: short protein forms A267fs.
Identifiers: ClinVar variation 871450 (VCV000871450.41), dbSNP rs1845756775, ClinGen allele CA1139661736.
Genomic context (GRCh38, chr11:823,734, plus strand): 5'-CCTTCTCTCCCCAACCCCAGGCCTCCTGAACCGGCCCAACCCCTTGCTGGCGTTGCCCCC[CG>C]CCCGCCCCCACGGCCCAGAGGACAAGGACCAGGCAGTGGAGAGCGCCCAAGCGGAGGATT-3'